The following is an entry in ClinVar:

NM_000517.6(HBA2):c.*1G>C

Genes: HBA2 (hemoglobin subunit alpha 2; plus strand), LOC106804612 (hemoglobin subunit alpha 2 recombination region; plus strand). Cytogenetic location: 16p13.3.
Variant type: single nucleotide variant.
Coding change: c.*1G>C on transcript NM_000517.6 (MANE Select); 1 bases downstream of the stop codon, G replaced by C.
Molecular consequence: 3 prime UTR variant.
Genome position (GRCh38, 1-based): chr16:173,601, G>C. VCF-style: chr16-173601-G-C. GRCh37 (hg19) VCF-style: chr16-223600-G-C.
Identifiers: ClinVar variation 3032231 (VCV003032231.2), dbSNP rs758429732, ClinGen allele CA7770190.

ClinVar aggregate classification (germline): Likely benign (0 of 4 stars; one submission).

Conditions:
HBA2-related disorder. Also called: HBA2-related condition.

Allele frequency attached by ClinVar (database versions not stated): ExAC 0.00001; gnomAD 0.00001; gnomAD exomes 0.00002; TOPMed 0.00003.
gnomAD v4.1: 11 of 1,608,256 alleles (0.00068%); highest among the groups gnomAD compares: Admixed American, 0.018%; no homozygotes.

Submission:

PreventionGenetics, part of Exact Sciences
Classification: Likely benign for HBA2-related condition. Last evaluated: 2022-03-10. Review status: no assertion criteria provided. Collection method: clinical testing. Allele origin: germline.
Comment: This variant is classified as likely benign based on ACMG/AMP sequence variant interpretation guidelines (Richards et al. 2015 PMID: 25741868, with internal and published modifications).